The following is an entry in ClinVar:

NM_001257360.1:c.2138T>C

Gene: AMPD2 (adenosine monophosphate deaminase 2; plus strand).
Variant type: single nucleotide variant.
Other names: c.2138T>C (NM_001257360.1).
Identifiers: ClinVar variation 4279657 (VCV004279657.1).

ClinVar aggregate classification (germline): Uncertain significance (1 of 4 stars; one submission).

Conditions:
AMPD2-related disorder. Also called: AMPD2-related condition.

Submission:

Daryl Scott Lab, Baylor College of Medicine
Classification: Uncertain significance for AMPD2-related disorder. Review status: criteria provided, single submitter. Criteria: ACMG Guidelines, 2015. Collection method: clinical testing. Allele origin: paternal. Affected: yes. Observed: 1 compound heterozygote.
Comment: PM2, PP3